The following is an entry in ClinVar:

NM_004168.4(SDHA):c.1609G>T (p.Gly537Trp)

Gene: SDHA (succinate dehydrogenase complex flavoprotein subunit A; plus strand). Cytogenetic location: 5p15.33.
Variant type: single nucleotide variant.
Coding change: c.1609G>T on transcript NM_004168.4 (MANE Select); coding-DNA position 1609, G replaced by T.
Protein change: p.Gly537Trp; replaces glycine 537 with tryptophan.
Molecular consequence: missense variant. On other transcripts: intron variant (1).
Genome position (GRCh38, 1-based): chr5:251,049, G>T. VCF-style: chr5-251049-G-T. GRCh37 (hg19) VCF-style: chr5-251164-G-T.
Other names: c.1465G>T, p.Gly489Trp (NM_001294332.2); c.1552-3344G>T (NM_001330758.2); short protein forms G489W, G537W.
Identifiers: ClinVar variation 3951358 (VCV003951358.1).

ClinVar aggregate classification (germline): Uncertain significance (1 of 4 stars; one submission).

Conditions:
Hereditary cancer-predisposing syndrome. Also called: Tumor predisposition; Hereditary neoplastic syndrome; Hereditary Cancer Syndrome; Neoplastic Syndromes, Hereditary. Identifiers: Orphanet 140162, MedGen C0027672, MeSH D009386, MONDO:0015356.

Submission:

Ambry Genetics
Classification: Uncertain significance for Hereditary cancer-predisposing syndrome. Last evaluated: 2025-06-06. Review status: criteria provided, single submitter. Criteria: Ambry Variant Classification Scheme 2023. Collection method: clinical testing. Allele origin: germline.
Comment: The p.G537W variant (also known as c.1609G>T), located in coding exon 12 of the SDHA gene, results from a G to T substitution at nucleotide position 1609. The glycine at codon 537 is replaced by tryptophan, an amino acid with highly dissimilar properties. This amino acid position is poorly conserved in available vertebrate species. In addition, the in silico prediction for this alteration is inconclusive. Based on the available evidence, the clinical significance of this variant remains unclear.